The following is an entry in ClinVar:

NM_020778.5(ALPK3):c.4709T>A (p.Val1570Asp)

Gene: ALPK3 (alpha kinase 3; plus strand). Cytogenetic location: 15q25.3.
Variant type: single nucleotide variant.
Coding change: c.4709T>A on transcript NM_020778.5 (MANE Select); coding-DNA position 4709, T replaced by A.
Protein change: p.Val1570Asp; replaces valine 1570 with aspartic acid.
Molecular consequence: missense variant.
Genome position (GRCh38, 1-based): chr15:84,864,651, T>A. VCF-style: chr15-84864651-T-A. GRCh37 (hg19) VCF-style: chr15-85407882-T-A.
Other names: short protein forms V1570D.
Identifiers: ClinVar variation 4742608 (VCV004742608.1).

ClinVar aggregate classification (germline): Uncertain significance (1 of 4 stars; one submission).

Submission:

Labcorp Genetics (formerly Invitae), Labcorp
Classification: Uncertain significance. Last evaluated: 2025-10-23. Review status: criteria provided, single submitter. Criteria: Invitae Variant Classification Sherloc (09022015). Collection method: clinical testing. Allele origin: germline.
Comment: This sequence change replaces valine, which is neutral and non-polar, with aspartic acid, which is acidic and polar, at codon 1772 of the ALPK3 protein (p.Val1772Asp). This variant is not present in population databases (gnomAD no frequency). This variant has not been reported in the literature in individuals affected with ALPK3-related conditions. Invitae Evidence Modeling of protein sequence and biophysical properties (such as structural, functional, and spatial information, amino acid conservation, physicochemical variation, residue mobility, and thermodynamic stability) indicates that this missense variant is expected to disrupt ALPK3 protein function with a positive predictive value of 80%. In summary, the available evidence is currently insufficient to determine the role of this variant in disease. Therefore, it has been classified as a Variant of Uncertain Significance.